The following is an entry in ClinVar:

ClinVar aggregate classification (germline): Uncertain significance (1 of 4 stars; one submission).

Conditions:
Generalized epilepsy with febrile seizures plus, type 7 (GEFSP7). Also called: GEFS+, TYPE 7. Identifiers: Orphanet 36387, MedGen C2751778, MONDO:0013470, OMIM 613863.
Neuropathy, hereditary sensory and autonomic, type 2A (HSAN2A). Also called: WNK1-Related HSAN2 (HSAN2A); ACROOSTEOLYSIS, GIACCAI TYPE; ACROOSTEOLYSIS, NEUROGENIC; NEUROPATHY, HEREDITARY SENSORY, TYPE IIA; NEUROPATHY, PROGRESSIVE SENSORY, OF CHILDREN; HSAN IIA. Identifiers: Orphanet 970, MedGen C2752089, MONDO:0024309, OMIM 201300.

Allele frequency attached by ClinVar (database versions not stated): gnomAD exomes 0.00001.
gnomAD v4.1: 1 of 1,507,540 alleles (0.000066%); highest among the groups gnomAD compares: Admixed American, 0.0019%; no homozygotes.

Submission:

Labcorp Genetics (formerly Invitae), Labcorp
Classification: Uncertain significance for Neuropathy, hereditary sensory and autonomic, type 2A; Generalized epilepsy with febrile seizures plus, type 7. Last evaluated: 2021-10-27. Review status: criteria provided, single submitter. Criteria: Invitae Variant Classification Sherloc (09022015). Collection method: clinical testing. Allele origin: germline.
Comment: This sequence change replaces asparagine, a(n) neutral and polar amino acid, with histidine, a(n) basic and polar amino acid, at codon 1409 of the SCN9A protein (p.Asn1409His). In summary, the available evidence is currently insufficient to determine the role of this variant in disease. Therefore, it has been classified as a Variant of Uncertain Significance. Algorithms developed to predict the effect of missense changes on protein structure and function are either unavailable or do not agree on the potential impact of this missense change (SIFT: "Deleterious"; PolyPhen-2: "Benign"; Align-GVGD: "Class C0"). ClinVar contains an entry for this variant (Variation ID: 664108). This variant has not been reported in the literature in individuals affected with SCN9A-related conditions. This variant is present in population databases (no rsID available, gnomAD 0.004%).

NM_001365536.1(SCN9A):c.4258A>C (p.Asn1420His)

Genes: SCN9A (sodium voltage-gated channel alpha subunit 9; minus strand), SCN1A-AS1 (SCN1A and SCN9A antisense RNA 1; plus strand). Cytogenetic location: 2q24.3.
Variant type: single nucleotide variant.
Coding change: c.4258A>C on transcript NM_001365536.1 (MANE Select); coding-DNA position 4258, A replaced by C.
Protein change: p.Asn1420His; replaces asparagine 1420 with histidine.
Molecular consequence: missense variant.
Genome position (GRCh38, 1-based): chr2:166,227,672, T>G on the plus strand (A>C on the coding strand, the complement: SCN9A is on the minus strand). VCF-style: chr2-166227672-T-G. GRCh37 (hg19) VCF-style: chr2-167084182-T-G.
Other names: c.4225A>C, p.Asn1409His (NM_002977.4); short protein forms N1409H, N1420H.
Identifiers: ClinVar variation 664108 (VCV000664108.9), dbSNP rs1232902921, ClinGen allele CA349062793.